The following is an entry in ClinVar:

ClinVar aggregate classification (germline): Uncertain significance (1 of 4 stars; one submission).

Submission:

Labcorp Genetics (formerly Invitae), Labcorp
Classification: Uncertain significance. Last evaluated: 2024-06-11. Review status: criteria provided, single submitter. Criteria: Invitae Variant Classification Sherloc (09022015). Collection method: clinical testing. Allele origin: germline.
Comment: This variant, c.864_869del, results in the deletion of 2 amino acid(s) of the RHO protein (p.Met288_Thr289del), but otherwise preserves the integrity of the reading frame. This variant is not present in population databases (gnomAD no frequency). This variant has not been reported in the literature in individuals affected with RHO-related conditions. Experimental studies and prediction algorithms are not available or were not evaluated, and the functional significance of this variant is currently unknown. In summary, the available evidence is currently insufficient to determine the role of this variant in disease. Therefore, it has been classified as a Variant of Uncertain Significance.

NM_000539.3(RHO):c.864_869del (p.Met288_Thr289del)

Gene: RHO (rhodopsin; plus strand). Cytogenetic location: 3q22.1.
Variant type: Deletion.
Coding change: c.864_869del on transcript NM_000539.3 (MANE Select); coding-DNA positions 864 to 869, 6 bases deleted (GACCAT; older notation c.864_869delGACCAT).
Protein change: p.Met288_Thr289del.
Genome position (GRCh38, 1-based): chr3:129,532,700-129,532,705, GACCAT deleted; deleting any 6 consecutive bases within chr3:129,532,697-129,532,705 gives the same sequence; the c. name uses the placement nearest the transcript's 3' end. VCF-style (leftmost placement, unchanged base first): chr3-129532696-TCATGAC-T. GRCh37 (hg19) VCF-style: chr3-129251539-TCATGAC-T.
Identifiers: ClinVar variation 3656286 (VCV003656286.2).